The following is an entry in ClinVar:

ClinVar aggregate classification (germline): Uncertain significance (1 of 4 stars; one submission).

gnomAD v4.1: 1 of 1,614,020 alleles (0.000062%); no homozygotes.

Submission:

Labcorp Genetics (formerly Invitae), Labcorp
Classification: Uncertain significance. Last evaluated: 2022-07-03. Review status: criteria provided, single submitter. Criteria: Invitae Variant Classification Sherloc (09022015). Collection method: clinical testing. Allele origin: germline.
Comment: This sequence change replaces leucine, which is neutral and non-polar, with valine, which is neutral and non-polar, at codon 4603 of the HERC1 protein (p.Leu4603Val). This variant is not present in population databases (gnomAD no frequency). This variant has not been reported in the literature in individuals affected with HERC1-related conditions. Algorithms developed to predict the effect of missense changes on protein structure and function output the following: SIFT: "Deleterious"; PolyPhen-2: "Benign"; Align-GVGD: "Class C0". The valine amino acid residue is found in multiple mammalian species, which suggests that this missense change does not adversely affect protein function. In summary, the available evidence is currently insufficient to determine the role of this variant in disease. Therefore, it has been classified as a Variant of Uncertain Significance.

NM_003922.4(HERC1):c.13807C>G (p.Leu4603Val)

Gene: HERC1 (HECT and RLD domain containing E3 ubiquitin protein ligase family member 1; minus strand). Cytogenetic location: 15q22.31.
Variant type: single nucleotide variant.
Coding change: c.13807C>G on transcript NM_003922.4 (MANE Select); coding-DNA position 13807, C replaced by G.
Protein change: p.Leu4603Val; replaces leucine 4603 with valine.
Molecular consequence: missense variant.
Genome position (GRCh38, 1-based): chr15:63,616,564, G>C on the plus strand (C>G on the coding strand, the complement: HERC1 is on the minus strand). VCF-style: chr15-63616564-G-C. GRCh37 (hg19) VCF-style: chr15-63908763-G-C.
Other names: short protein forms L4603V.
Identifiers: ClinVar variation 2013766 (VCV002013766.1), dbSNP rs2550842437, ClinGen allele CA392733093.